The following is an entry in ClinVar:

ClinVar aggregate classification (germline): Uncertain significance (1 of 4 stars; one submission).

Conditions:
Inborn genetic diseases. Identifiers: MedGen C0950123, MeSH D030342.

Submission:

Ambry Genetics
Classification: Uncertain significance for Inborn genetic diseases. Last evaluated: 2023-01-18. Review status: criteria provided, single submitter. Criteria: Ambry Variant Classification Scheme 2023. Collection method: clinical testing. Allele origin: germline.
Comment: The c.5024C>T (p.S1675L) alteration is located in exon 29 (coding exon 27) of the BAZ2B gene. This alteration results from a C to T substitution at nucleotide position 5024, causing the serine (S) at amino acid position 1675 to be replaced by a leucine (L). This variant was not reported in population-based cohorts in the Genome Aggregation Database (gnomAD). This amino acid position is not well conserved in available vertebrate species. This alteration is predicted to be tolerated by in silico analysis. Based on insufficient or conflicting evidence, the clinical significance of this alteration remains unclear.

NM_013450.4(BAZ2B):c.5024C>T (p.Ser1675Leu)

Gene: BAZ2B (bromodomain adjacent to zinc finger domain 2B; minus strand). Cytogenetic location: 2q24.2.
Variant type: single nucleotide variant.
Coding change: c.5024C>T on transcript NM_013450.4 (MANE Select); coding-DNA position 5024, C replaced by T.
Protein change: p.Ser1675Leu; replaces serine 1675 with leucine.
Molecular consequence: missense variant.
Genome position (GRCh38, 1-based): chr2:159,349,120, G>A on the plus strand (C>T on the coding strand, the complement: BAZ2B is on the minus strand). VCF-style: chr2-159349120-G-A. GRCh37 (hg19) VCF-style: chr2-160205631-G-A.
Other names: c.4916C>T, p.Ser1639Leu (NM_001289975.1); c.4862C>T, p.Ser1621Leu (NM_001329857.2); c.4949C>T, p.Ser1650Leu (NM_001329858.2); short protein forms S1675L, S1621L, S1639L, S1650L.
Identifiers: ClinVar variation 2476442 (VCV002476442.2), dbSNP rs2471987310, ClinGen allele CA348926805.